The following is an entry in ClinVar:

ClinVar aggregate classification (germline): Pathogenic/Likely pathogenic. Review status: criteria provided, multiple submitters, no conflicts (2 of 4 stars). 3 submissions from 3 submitters: Pathogenic (1); Likely pathogenic (2). Last evaluated 2024-01-11.

Conditions:
Muscular dystrophy-dystroglycanopathy (congenital with brain and eye anomalies), type A3. Also called: WALKER-WARBURG SYNDROME OR MUSCLE-EYE-BRAIN DISEASE, POMGNT1-RELATED; Muscular dystrophy-dystroglycanopathy (congenital with brain and eye anomalies), type A, 3; Congenital muscular dystrophy-dystroglycanopathy with brain and eye anomalies, type A3. Identifiers: MedGen C3151519, MONDO:0009667, OMIM 253280.
Retinitis pigmentosa 76 (RP76). Identifiers: MedGen C4310704, MONDO:0014929, OMIM 617123.
Muscular dystrophy-dystroglycanopathy (congenital with impaired intellectual development), type B, 3. Also called: MUSCULAR DYSTROPHY, CONGENITAL, POMGNT1-RELATED; Muscular dystrophy-dystroglycanopathy (congenital with intellectual disability), type B3. Identifiers: MedGen C3150412, MONDO:0013155, OMIM 613151.
Autosomal recessive limb-girdle muscular dystrophy type 2O. Also called: Limb-Girdle Muscular Dystrophy Type 3C; MUSCULAR DYSTROPHY-DYSTROGLYCANOPATHY (LIMB-GIRDLE), TYPE C, 3; MUSCULAR DYSTROPHY-DYSTROGLYCANOPATHY, LIMB-GIRDLE, POMGNT1-RELATED. Identifiers: Orphanet 206564, MedGen C3150417, MONDO:0013161, OMIM 613157.
Myopathy caused by variation in POMGNT1. Identifiers: MedGen CN305639, MONDO:0700068.

Submissions (3):

Fulgent Genetics
Classification: Likely pathogenic for Muscular dystrophy-dystroglycanopathy (congenital with brain and eye anomalies), type A3; Muscular dystrophy-dystroglycanopathy (congenital with impaired intellectual development), type B, 3; Autosomal recessive limb-girdle muscular dystrophy type 2O; Retinitis pigmentosa 76. Last evaluated: 2024-01-11. Review status: criteria provided, single submitter. Criteria: ACMG Guidelines, 2015. Collection method: clinical testing. Allele origin: germline.

Myriad Genetics, Inc.
Classification: Pathogenic for Myopathy caused by variation in POMGNT1. Last evaluated: 2023-10-19. Review status: criteria provided, single submitter. Criteria: Myriad Autosomal Dominant, Autosomal Recessive and X-Linked Classification Criteria (2023). Collection method: clinical testing. Allele origin: unknown.
Comment: NM_017739.3(POMGNT1):c.1398G>A(W466*) is expected to be pathogenic in the context of POMGNT1-related disorders. This variant is predicted to lead to an abnormal or absent protein product due to the creation of a premature termination codon in POMGNT1, a gene where loss-of-function variants are known to be pathogenic. Please note: this variant was assessed in the context of healthy population screening.

Baylor Genetics
Classification: Likely pathogenic for Muscular dystrophy-dystroglycanopathy (congenital with brain and eye anomalies), type A3. Last evaluated: 2023-05-15. Review status: criteria provided, single submitter. Criteria: ACMG Guidelines, 2015. Collection method: clinical testing. Allele origin: unknown.

NM_017739.4(POMGNT1):c.1398G>A (p.Trp466Ter)

Genes: POMGNT1 (protein O-linked mannose N-acetylglucosaminyltransferase 1 (beta 1,2-); minus strand), TSPAN1 (tetraspanin 1; plus strand). Cytogenetic location: 1p34.1.
Variant type: single nucleotide variant.
Coding change: c.1398G>A on transcript NM_017739.4 (MANE Select); coding-DNA position 1398, G replaced by A.
Protein change: p.Trp466Ter; replaces tryptophan 466 with a stop codon.
Molecular consequence: nonsense.
Genome position (GRCh38, 1-based): chr1:46,192,323, C>T on the plus strand (G>A on the coding strand, the complement: POMGNT1 is on the minus strand). VCF-style: chr1-46192323-C-T. GRCh37 (hg19) VCF-style: chr1-46657995-C-T.
Other names: c.1398G>A, p.Trp466Ter (NM_001243766.2, NM_001410783.1); c.1332G>A, p.Trp444Ter (NM_001290129.3); c.969G>A, p.Trp323Ter (NM_001290130.2); c.1398G>A (NM_017739.3); short protein forms W323*, W444*, W466*.
Identifiers: ClinVar variation 2677977 (VCV002677977.3), dbSNP rs2525386608, ClinGen allele CA340174854.